The following is an entry in ClinVar:

NM_002335.4(LRP5):c.4402G>A (p.Gly1468Ser)

Gene: LRP5 (LDL receptor related protein 5; plus strand). Cytogenetic location: 11q13.2.
Variant type: single nucleotide variant.
Coding change: c.4402G>A on transcript NM_002335.4 (MANE Select); coding-DNA position 4402, G replaced by A.
Protein change: p.Gly1468Ser; replaces glycine 1468 with serine.
Molecular consequence: missense variant.
Genome position (GRCh38, 1-based): chr11:68,439,830, G>A. VCF-style: chr11-68439830-G-A. GRCh37 (hg19) VCF-style: chr11-68207298-G-A.
Other names: c.4402G>A (NM_002335.3); c.2659G>A, p.Gly887Ser (NM_001291902.2); short protein forms G1468S, G887S.
Identifiers: ClinVar variation 1057185 (VCV001057185.39), dbSNP rs764802790, ClinGen allele CA6150348.
Genomic context (GRCh38, chr11:68,439,830, plus strand): 5'-CTGCCAGGCATCGCATGCGGAAAGTCCATGATGAGCTCCGTGAGCCTGATGGGGGGCCGG[G>A]GCGGGGTGCCCCTCTACGACCGGAACCACGTCACAGGGGCCTCGTCCAGCAGCTCGTCCA-3'
Protein context (NP_002326.2, residues 1458-1478): MSSVSLMGGR[Gly1468Ser]GVPLYDRNHV

ClinVar aggregate classification (germline): Conflicting classifications of pathogenicity. Review status: criteria provided, conflicting classifications (1 of 4 stars). 4 submissions from 4 submitters: Uncertain significance (2); Likely benign (1). 1 of the submissions does not count toward it. Last evaluated 2026-02-03.

Conditions:
Autosomal dominant polycystic liver disease. Also called: Congenital cystic disease of liver; Polycystic liver disease. Identifiers: Orphanet 2924, MedGen C0158683, MONDO:0000447, HP:0006557.
LRP5-related disorder. Also called: LRP5-related condition.

Allele frequency attached by ClinVar (database versions not stated): gnomAD 0.00001; TOPMed 0.00001; gnomAD exomes 0.00003; ExAC 0.00005.
gnomAD v4.1: 78 of 1,611,316 alleles (0.0048%); highest among the groups gnomAD compares: Non-Finnish European, 0.0064%; no homozygotes.

Submissions (4):

PreventionGenetics, part of Exact Sciences
Classification: Uncertain significance for LRP5-related condition. Last evaluated: 2026-02-03. Review status: criteria provided, single submitter. Criteria: ACMG Guidelines, 2015. Collection method: clinical testing. Allele origin: germline.
Comment: The LRP5 c.4402G>A variant is predicted to result in the amino acid substitution p.Gly1468Ser. To our knowledge, this variant has not been reported in the literature. This variant is reported in 0.0065% of alleles in individuals of European (Non-Finnish) descent in gnomAD. At this time, the clinical significance of this variant is uncertain due to the absence of conclusive functional and genetic evidence.

Labcorp Genetics (formerly Invitae), Labcorp
Classification: Uncertain significance. Last evaluated: 2023-08-11. Review status: criteria provided, single submitter. Criteria: Invitae Variant Classification Sherloc (09022015). Collection method: clinical testing. Allele origin: germline.
Comment: ClinVar contains an entry for this variant (Variation ID: 1057185). This variant has not been reported in the literature in individuals affected with LRP5-related conditions. This variant is present in population databases (rs764802790, gnomAD 0.006%). This sequence change replaces glycine, which is neutral and non-polar, with serine, which is neutral and polar, at codon 1468 of the LRP5 protein (p.Gly1468Ser). Advanced modeling of protein sequence and biophysical properties (such as structural, functional, and spatial information, amino acid conservation, physicochemical variation, residue mobility, and thermodynamic stability) performed at Invitae indicates that this missense variant is not expected to disrupt LRP5 protein function. In summary, the available evidence is currently insufficient to determine the role of this variant in disease. Therefore, it has been classified as a Variant of Uncertain Significance.

Blueprint Genetics
Classification: Likely benign. Last evaluated: 2023-03-14. Review status: criteria provided, single submitter. Criteria: ACMG Guidelines, 2015. Collection method: clinical testing. Allele origin: germline.

Laboratory of Gastroenterology and Hepatology, Radboud University Medical Center
Classification: Likely benign for Autosomal dominant polycystic liver disease. Last evaluated: 2021-09-01. Review status: no assertion criteria provided. Collection method: research. Allele origin: germline. Affected: yes. Not counted in ClinVar's aggregate classification.